The following is an entry in ClinVar:

ClinVar aggregate classification (germline): Uncertain significance (1 of 4 stars; one submission).

Conditions:
Left ventricular noncompaction 8 (LVNC8). Identifiers: Orphanet 154, Orphanet 54260, MedGen C3809288, MONDO:0014152, OMIM 615373.

Allele frequency attached by ClinVar (database versions not stated): TOPMed 0.00002; gnomAD 0.00001; gnomAD exomes 0.00001 and 0.00002.
gnomAD v4.1: 29 of 1,497,132 alleles (0.0019%); highest among the groups gnomAD compares: East Asian, 0.017%; no homozygotes.

Submission:

Labcorp Genetics (formerly Invitae), Labcorp
Classification: Uncertain significance for Left ventricular noncompaction 8. Last evaluated: 2024-12-12. Review status: criteria provided, single submitter. Criteria: Invitae Variant Classification Sherloc (09022015). Collection method: clinical testing. Allele origin: germline.
Comment: This sequence change replaces glutamic acid, which is acidic and polar, with lysine, which is basic and polar, at codon 837 of the PRDM16 protein (p.Glu837Lys). The frequency data for this variant in the population databases is considered unreliable, as metrics indicate poor data quality at this position in the gnomAD database. This variant has not been reported in the literature in individuals affected with PRDM16-related conditions. ClinVar contains an entry for this variant (Variation ID: 575552). An algorithm developed to predict the effect of missense changes on protein structure and function (PolyPhen-2) suggests that this variant is likely to be tolerated. In summary, the available evidence is currently insufficient to determine the role of this variant in disease. Therefore, it has been classified as a Variant of Uncertain Significance.

NM_022114.4(PRDM16):c.2509G>A (p.Glu837Lys)

Gene: PRDM16 (PR/SET domain 16; plus strand). Cytogenetic location: 1p36.32.
Variant type: single nucleotide variant.
Coding change: c.2509G>A on transcript NM_022114.4 (MANE Select); coding-DNA position 2509, G replaced by A.
Protein change: p.Glu837Lys; replaces glutamic acid 837 with lysine.
Molecular consequence: missense variant.
Genome position (GRCh38, 1-based): chr1:3,412,706, G>A. VCF-style: chr1-3412706-G-A. GRCh37 (hg19) VCF-style: chr1-3329270-G-A.
Other names: c.2509G>A, p.Glu837Lys (NM_199454.3); short protein forms E837K.
Identifiers: ClinVar variation 575552 (VCV000575552.8), dbSNP rs1343697961, ClinGen allele CA338000739.
Genomic context (GRCh38, chr1:3,412,706, plus strand): 5'-GGCGGCGGGCGGGAGCCCCGCAAGAACCACGTCTATGGGGAACGCAAGCTGGGCGCCGGC[G>A]AGGGGCTGCCCCAGGTGTGCCCGGCGCGGATGCCCCAGCAGCCCCCGCTCCACTACGCCA-3'
Protein context (NP_071397.3, residues 827-847): VYGERKLGAG[Glu837Lys]GLPQVCPARM